The following is an entry in ClinVar:

Single allele

Gene: PMS2 (PMS1 homolog 2, mismatch repair system component; minus strand). Cytogenetic location: 7p22.1.
Variant type: Duplication.
Identifiers: ClinVar variation 455096 (VCV000455096.1).

ClinVar aggregate classification (germline): Uncertain significance (1 of 4 stars; one submission).

Conditions:
Hereditary nonpolyposis colorectal neoplasms. Identifiers: MedGen C0009405, MeSH D003123.

Submission:

Labcorp Genetics (formerly Invitae), Labcorp
Classification: Uncertain significance for Hereditary nonpolyposis colorectal neoplasms. Last evaluated: 2017-02-13. Review status: criteria provided, single submitter. Criteria: Invitae Variant Classification Sherloc (09022015). Collection method: clinical testing. Allele origin: germline.
Comment: This variant is a gross duplication of the genomic region encompassing exons 6-14 of the PMS2 gene. While the exact position of the duplicated exons cannot be determined from this data, the duplicated copy of this region is likely in tandem and in-frame, therefore preserving the integrity of the reading frame. This variant has not been reported in the literature in individuals with a PMS2-related disease. In summary, the exact genomic location of this variant is unknown and the impact of this duplication on PMS2 protein function has not been established. Therefore, it has been classified as a Variant of Uncertain Significance.